The following is an entry in ClinVar:

ClinVar aggregate classification (germline): Likely benign. Review status: criteria provided, multiple submitters, no conflicts (2 of 4 stars). 2 submissions from 2 submitters: Likely benign (2). Last evaluated 2023-01-29.

Conditions:
Catecholaminergic polymorphic ventricular tachycardia 1. Also called: VENTRICULAR TACHYCARDIA, CATECHOLAMINERGIC POLYMORPHIC, 1, WITH OR WITHOUT ATRIAL DYSFUNCTION AND/OR DILATED CARDIOMYOPATHY; RYR2-Related Catecholaminergic Polymorphic Ventricular Tachycardia; VENTRICULAR TACHYCARDIA, STRESS-INDUCED POLYMORPHIC 1. Identifiers: Orphanet 3286, MedGen C1631597, MONDO:0011484, OMIM 604772.

Submissions (2):

Labcorp Genetics (formerly Invitae), Labcorp
Classification: Likely benign for Catecholaminergic polymorphic ventricular tachycardia 1. Last evaluated: 2023-01-29. Review status: criteria provided, single submitter. Criteria: Invitae Variant Classification Sherloc (09022015). Collection method: clinical testing. Allele origin: germline.

GeneDx
Classification: Likely benign. Last evaluated: 2018-03-19. Review status: criteria provided, single submitter. Criteria: GeneDx Variant Classification (06012015). Collection method: clinical testing. Allele origin: germline. Affected: yes.
Comment: This variant is considered likely benign or benign based on one or more of the following criteria: it is a conservative change, it occurs at a poorly conserved position in the protein, it is predicted to be benign by multiple in silico algorithms, and/or has population frequency not consistent with disease.

NM_001035.3(RYR2):c.4275+8G>C

Gene: RYR2 (ryanodine receptor 2; plus strand). Cytogenetic location: 1q43.
Variant type: single nucleotide variant.
Coding change: c.4275+8G>C on transcript NM_001035.3 (MANE Select); 8 bases into the intron after coding-DNA position 4275, G replaced by C.
Molecular consequence: intron variant.
Genome position (GRCh38, 1-based): chr1:237,591,861, G>C. VCF-style: chr1-237591861-G-C. GRCh37 (hg19) VCF-style: chr1-237755161-G-C.
Identifiers: ClinVar variation 669981 (VCV000669981.4), dbSNP rs1573005723, ClinGen allele CA915942080.